The following is an entry in ClinVar:

NM_018089.3(ANKZF1):c.1698_1699del (p.Arg567fs)

Gene: ANKZF1 (ankyrin repeat and zinc finger peptidyl tRNA hydrolase 1; plus strand). Cytogenetic location: 2q35.
Variant type: Microsatellite.
Coding change: c.1698_1699del on transcript NM_018089.3 (MANE Select); coding-DNA positions 1698 to 1699, 2 bases deleted (TC; older notation c.1698_1699delTC).
Protein change: p.Arg567fs; shifts the reading frame from arginine 567.
Molecular consequence: frameshift variant.
Genome position (GRCh38, 1-based): chr2:219,235,480-219,235,481, TC deleted; deleting any 2 consecutive bases within chr2:219,235,477-219,235,481 gives the same sequence; the c. name uses the placement nearest the transcript's 3' end. VCF-style (leftmost placement, unchanged base first): chr2-219235476-ACT-A. GRCh37 (hg19) VCF-style: chr2-220100198-ACT-A.
Other names: c.1698_1699del, p.Arg567fs (NM_001042410.2); c.1068_1069del, p.Arg357fs (NM_001282792.2); short protein forms R357fs, R567fs.
Identifiers: ClinVar variation 1957116 (VCV001957116.5), dbSNP rs759442172, ClinGen allele CA2121135.

ClinVar aggregate classification (germline): Uncertain significance (1 of 4 stars; one submission).

Submission:

Labcorp Genetics (formerly Invitae), Labcorp
Classification: Uncertain significance. Last evaluated: 2022-02-21. Review status: criteria provided, single submitter. Criteria: Invitae Variant Classification Sherloc (09022015). Collection method: clinical testing. Allele origin: germline.
Comment: In summary, the available evidence is currently insufficient to determine the role of this variant in disease. Therefore, it has been classified as a Variant of Uncertain Significance. This variant has not been reported in the literature in individuals affected with ANKZF1-related conditions. This variant is present in population databases (rs759442172, gnomAD 0.02%). This sequence change creates a premature translational stop signal (p.Arg567Glyfs*10) in the ANKZF1 gene. It is expected to result in an absent or disrupted protein product. However, the current clinical and genetic evidence is not sufficient to establish whether loss-of-function variants in ANKZF1 cause disease.